The following is an entry in ClinVar:

ClinVar aggregate classification (germline): Likely benign. Review status: criteria provided, multiple submitters, no conflicts (2 of 4 stars). 4 submissions from 4 submitters: Likely benign (4). Last evaluated 2026-03-18.

Conditions:
BRCA1-related disorder. Also called: BRCA1-related condition.
Hereditary cancer-predisposing syndrome. Also called: Tumor predisposition; Hereditary neoplastic syndrome; Neoplastic Syndromes, Hereditary; Hereditary Cancer Syndrome. Identifiers: Orphanet 140162, MedGen C0027672, MeSH D009386, MONDO:0015356.
Hereditary breast ovarian cancer syndrome. Also called: Breast and ovarian cancer; Hereditary breast and ovarian cancer syndrome; Hereditary breast and ovarian cancer syndrome (HBOC); Hereditary breast and ovarian cancer; Hereditary breast and/or ovarian cancer syndrome; BRCA1- and BRCA2-Associated Hereditary Breast and Ovarian Cancer. Identifiers: Orphanet 145, MedGen C0677776, MeSH D061325, MONDO:0003582. Disease mechanism: loss of function.

Allele frequency attached by ClinVar (database versions not stated): gnomAD exomes 0.00002; ExAC 0.00006; 1000 Genomes Project 30x 0.00016; gnomAD 0.00030 and 0.00034.

Submissions (4):

PreventionGenetics, part of Exact Sciences
Classification: Likely benign for BRCA1-related condition. Last evaluated: 2026-03-18. Review status: criteria provided, single submitter. Criteria: ACMG Guidelines, 2015. Collection method: clinical testing. Allele origin: germline.
Comment: This variant is classified as likely benign based on ACMG/AMP sequence variant interpretation guidelines (Richards et al. 2015 PMID: 25741868, with internal and published modifications).

Labcorp Genetics (formerly Invitae), Labcorp
Classification: Likely benign for Hereditary breast ovarian cancer syndrome. Last evaluated: 2025-02-10. Review status: criteria provided, single submitter. Criteria: Invitae Variant Classification Sherloc (09022015). Collection method: clinical testing. Allele origin: germline.

Blueprint Genetics
Classification: Likely benign. Last evaluated: 2020-01-20. Review status: criteria provided, single submitter. Criteria: ACMG Guidelines, 2015. Collection method: clinical testing. Allele origin: germline.

Color Diagnostics, LLC DBA Color Health
Classification: Likely benign for Hereditary cancer-predisposing syndrome. Last evaluated: 2015-07-17. Review status: criteria provided, single submitter. Criteria: ACMG Guidelines, 2015. Collection method: clinical testing. Allele origin: germline.

NM_007294.4(BRCA1):c.441+19_441+20del

Gene: BRCA1 (BRCA1 DNA repair associated; minus strand). Cytogenetic location: 17q21.31.
Variant type: Deletion.
Coding change: c.441+19_441+20del on transcript NM_007294.4 (MANE Select); bases 19 to 20 of the intron after coding-DNA position 441, 2 bases deleted (TT; older notation c.441+19_441+20delTT).
Molecular consequence: intron variant.
Genome position (GRCh38, 1-based): chr17:43,104,102-43,104,103, AA deleted on the plus strand (TT on the coding strand, the reverse complement: BRCA1 is on the minus strand). VCF-style (leftmost placement, unchanged base first): chr17-43104101-GAA-G. GRCh37 (hg19) VCF-style: chr17-41256118-GAA-G.
Other names: c.441+19_441+20delTT (NM_007294.3); c.300+19_300+20del (NM_001408458.1, NM_001407931.1, NM_001407747.1 and 99 more transcripts); c.-218-9243_-218-9242del (NM_001407967.1, NM_001407966.1); c.60+19_60+20del (NM_001407959.1, NM_001407962.1, NM_001408512.1 and 4 more transcripts); c.231+19_231+20del (NM_001407885.1, NM_001407886.1, NM_001407898.1 and 58 more transcripts); c.441+19_441+20del (NM_001407686.1, NM_001408397.1, NM_001407632.1 and 164 more transcripts); c.309+19_309+20del (NM_001408451.1); c.363+19_363+20del (NM_001408475.1, NM_001407875.1, NM_001407659.1 and 21 more transcripts); and 1 more.
Identifiers: ClinVar variation 462648 (VCV000462648.17), dbSNP rs764884677, ClinGen allele CA055957.